The following is an entry in ClinVar:

ClinVar aggregate classification (germline): Uncertain significance (1 of 4 stars; one submission).

Allele frequency attached by ClinVar (database versions not stated): gnomAD 0.00001; gnomAD exomes 0.00001; ExAC 0.00002; TOPMed 0.00002.
gnomAD v4.1: 11 of 1,614,094 alleles (0.00068%); highest among the groups gnomAD compares: Admixed American, 0.005%; no homozygotes.

Submission:

CeGaT Center for Human Genetics Tuebingen
Classification: Uncertain significance. Last evaluated: 2023-09-01. Review status: criteria provided, single submitter. Criteria: CeGaT Center For Human Genetics Tuebingen Variant Classification Criteria Version 2. Collection method: clinical testing. Allele origin: germline. Affected: yes. Observed: 1 variant allele.
Comment: FBXO7: PM2, BP4

NM_012179.4(FBXO7):c.491A>G (p.Tyr164Cys)

Gene: FBXO7 (F-box protein 7; plus strand). Cytogenetic location: 22q12.3.
Variant type: single nucleotide variant.
Coding change: c.491A>G on transcript NM_012179.4 (MANE Select); coding-DNA position 491, A replaced by G.
Protein change: p.Tyr164Cys; replaces tyrosine 164 with cysteine.
Molecular consequence: missense variant.
Genome position (GRCh38, 1-based): chr22:32,483,970, A>G. VCF-style: chr22-32483970-A-G. GRCh37 (hg19) VCF-style: chr22-32879957-A-G.
Other names: c.254A>G, p.Tyr85Cys (NM_001033024.2); c.149A>G, p.Tyr50Cys (NM_001257990.2); short protein forms Y164C, Y50C, Y85C.
Identifiers: ClinVar variation 2583002 (VCV002583002.25), dbSNP rs745379488, ClinGen allele CA10201443.